The following is an entry in ClinVar:

NM_001394998.1(TANC2):c.6044G>A (p.Arg2015His)

Gene: TANC2 (tetratricopeptide repeat, ankyrin repeat and coiled-coil containing 2; plus strand). Cytogenetic location: 17q23.3.
Variant type: single nucleotide variant.
Coding change: c.6044G>A on transcript NM_001394998.1 (MANE Select); coding-DNA position 6044, G replaced by A.
Protein change: p.Arg2015His; replaces arginine 2015 with histidine.
Molecular consequence: missense variant.
Genome position (GRCh38, 1-based): chr17:63,421,774, G>A. VCF-style: chr17-63421774-G-A. GRCh37 (hg19) VCF-style: chr17-61499135-G-A.
Other names: c.5792G>A (NM_025185.3); c.5822G>A, p.Arg1941His (NM_001411076.1); c.5792G>A, p.Arg1931His (NM_025185.4); short protein forms R1931H, R1941H, R2015H.
Identifiers: ClinVar variation 2498723 (VCV002498723.29), dbSNP rs370863314, ClinGen allele CA8698553.
Genomic context (GRCh38, chr17:63,421,774, plus strand): 5'-ATGGCCATTTGCTGGAGGACGATTATTACAGCCCCCATGGGATGCTGGCTAACGGGTCTC[G>A]TGGAGACCTCTTGGAGCGAGTCAGCCAGGCCTCCTCCTATCCCGACGTGAAGGTAGCTCG-3'
Protein context (NP_001381927.1, residues 2005-2025): SPHGMLANGS[Arg2015His]GDLLERVSQA

ClinVar aggregate classification (germline): Likely benign. Review status: criteria provided, multiple submitters, no conflicts (2 of 4 stars). 2 submissions from 2 submitters: Likely benign (2). Last evaluated 2025-08-01.

Conditions:
Inborn genetic diseases. Identifiers: MedGen C0950123, MeSH D030342.

Allele frequency attached by ClinVar (database versions not stated): ESP Exome Variant Server 0.00008.
gnomAD v4.1: 301 of 1,613,914 alleles (0.019%); highest among the groups gnomAD compares: Non-Finnish European, 0.024%; no homozygotes.

Submissions (2):

CeGaT Center for Human Genetics Tuebingen
Classification: Likely benign. Last evaluated: 2025-08-01. Review status: criteria provided, single submitter. Criteria: CeGaT Center For Human Genetics Tuebingen Variant Classification Criteria Version 2. Collection method: clinical testing. Allele origin: germline. Affected: yes. Observed: 4 variant alleles.
Comment: TANC2: BS1

Ambry Genetics
Classification: Likely benign for Inborn genetic diseases. Last evaluated: 2022-04-25. Review status: criteria provided, single submitter. Criteria: Ambry Variant Classification Scheme 2023. Collection method: clinical testing. Allele origin: germline.